The following is an entry in ClinVar:

ClinVar aggregate classification (germline): Conflicting classifications of pathogenicity. Review status: criteria provided, conflicting classifications (1 of 4 stars). 5 submissions from 5 submitters: Uncertain significance (1); Likely benign (3). 1 of the submissions does not count toward it. Last evaluated 2025-03-14.

Conditions:
BRCA2-related disorder. Also called: BRCA2-related condition; BRCA2-related disorders. Identifiers: MedGen CN239275.
Hereditary cancer-predisposing syndrome. Also called: Tumor predisposition; Neoplastic Syndromes, Hereditary; Hereditary neoplastic syndrome; Hereditary Cancer Syndrome. Identifiers: Orphanet 140162, MedGen C0027672, MeSH D009386, MONDO:0015356.
Hereditary breast ovarian cancer syndrome. Also called: Hereditary breast and ovarian cancer syndrome; Hereditary breast and ovarian cancer; Hereditary breast and ovarian cancer syndrome (HBOC); Hereditary breast and/or ovarian cancer syndrome; BRCA1- and BRCA2-Associated Hereditary Breast and Ovarian Cancer; Breast and ovarian cancer. Identifiers: Orphanet 145, MedGen C0677776, MeSH D061325, MONDO:0003582. Disease mechanism: loss of function.
Breast-ovarian cancer, familial, susceptibility to, 2 (BROVCA2). Also called: BRCA2 Hereditary Breast and Ovarian Cancer. Identifiers: Orphanet 145, MedGen C2675520, MONDO:0012933, OMIM 612555. Disease mechanism: loss of function.

Allele frequency attached by ClinVar (database versions not stated): gnomAD exomes below 0.00001; ExAC 0.00001.
gnomAD v4.1: 1 of 1,613,458 alleles (0.000062%); highest among the groups gnomAD compares: Non-Finnish European, 0.000085%; no homozygotes.

Submissions (5):

PreventionGenetics, part of Exact Sciences
Classification: Likely benign for BRCA2-related condition. Last evaluated: 2025-03-14. Review status: criteria provided, single submitter. Criteria: ACMG Guidelines, 2015. Collection method: clinical testing. Allele origin: germline.
Comment: This variant is classified as likely benign based on ACMG/AMP sequence variant interpretation guidelines (Richards et al. 2015 PMID: 25741868, with internal and published modifications).

Labcorp Genetics (formerly Invitae), Labcorp
Classification: Uncertain significance for Hereditary breast ovarian cancer syndrome. Last evaluated: 2025-02-26. Review status: criteria provided, single submitter. Criteria: Invitae Variant Classification Sherloc (09022015). Collection method: clinical testing. Allele origin: germline.
Comment: This sequence change replaces alanine, which is neutral and non-polar, with threonine, which is neutral and polar, at codon 1891 of the BRCA2 protein (p.Ala1891Thr). This variant is present in population databases (rs587782644, gnomAD 0.0009%). This variant has not been reported in the literature in individuals affected with BRCA2-related conditions. ClinVar contains an entry for this variant (Variation ID: 142686). Invitae Evidence Modeling of protein sequence and biophysical properties (such as structural, functional, and spatial information, amino acid conservation, physicochemical variation, residue mobility, and thermodynamic stability) indicates that this missense variant is not expected to disrupt BRCA2 protein function with a negative predictive value of 95%. In summary, the available evidence is currently insufficient to determine the role of this variant in disease. Therefore, it has been classified as a Variant of Uncertain Significance.

University of Washington Department of Laboratory Medicine, University of Washington
Classification: Likely benign for Hereditary cancer-predisposing syndrome. Last evaluated: 2023-03-23. Review status: criteria provided, single submitter. Criteria: Dines et al. (Genet Med. 2020). Collection method: curation. Allele origin: germline.
Comment: Missense variant in a coldspot region where missense variants are very unlikely to be pathogenic (PMID:31911673).

BRCA2 exon 11 coldspot. Reclassification based on statistical prior probability.

Ambry Genetics
Classification: Likely benign for Hereditary cancer-predisposing syndrome. Last evaluated: 2016-02-25. Review status: criteria provided, single submitter. Criteria: Ambry Variant Classification Scheme 2023. Collection method: clinical testing. Allele origin: germline.

Department of Medical and Surgical Sciences, University of Bologna
Classification: Likely benign for Breast-ovarian cancer, familial, susceptibility to, 2. Last evaluated: 2023-09-01. Review status: no assertion criteria provided. Collection method: clinical testing. Allele origin: germline. Affected: yes. Not counted in ClinVar's aggregate classification.
Comment: PM2(Supporting)+BP1(Strong) according to ACMG/AMP classification guidelines specified for BRCA1 & BRCA2 (Classification Criteria V1.0.0 2023-09-08) (PMID: 38160042)

NM_000059.4(BRCA2):c.5671G>A (p.Ala1891Thr)

Gene: BRCA2 (BRCA2 DNA repair associated; plus strand). Cytogenetic location: 13q13.1.
Variant type: single nucleotide variant.
Coding change: c.5671G>A on transcript NM_000059.4 (MANE Select); coding-DNA position 5671, G replaced by A.
Protein change: p.Ala1891Thr; replaces alanine 1891 with threonine.
Molecular consequence: missense variant.
Genome position (GRCh38, 1-based): chr13:32,340,026, G>A. VCF-style: chr13-32340026-G-A. GRCh37 (hg19) VCF-style: chr13-32914163-G-A.
Other names: short protein forms A1891T.
Identifiers: ClinVar variation 142686 (VCV000142686.10), dbSNP rs587782644, ClinGen allele CA022929.
Genomic context (GRCh38, chr13:32,340,026, plus strand): 5'-AGTAAAGTAATTAAGGAAAACAACGAGAATAAATCAAAAATTTGCCAAACGAAAATTATG[G>A]CAGGTTGTTACGAGGCATTGGATGATTCAGAGGATATTCTTCATAACTCTCTAGATAATG-3'
Protein context (NP_000050.3, residues 1881-1901): KSKICQTKIM[Ala1891Thr]GCYEALDDSE